The following is an entry in ClinVar:

ClinVar aggregate classification (germline): Uncertain significance. Review status: criteria provided, multiple submitters, no conflicts (2 of 4 stars). 2 submissions from 2 submitters: Uncertain significance (2). Last evaluated 2025-09-08.

Conditions:
Pheochromocytoma/paraganglioma syndrome 3. Also called: GLOMUS TUMORS, FAMILIAL, 3; Paragangliomas 3; SDHC-Related Hereditary Paraganglioma-Pheochromocytoma Syndrome (Paragangliomas 3); SDHC-Related Hereditary Paraganglioma-Pheochromocytoma Syndrome. Identifiers: Orphanet 29072, MedGen C1854336, MONDO:0011544, OMIM 605373.
Gastrointestinal stromal tumor. Also called: Gastrointestinal stromal tumor, somatic; Gastrointestinal stroma tumor. Identifiers: Orphanet 44890, MedGen C0238198, MeSH D046152, MONDO:0011719, OMIM 606764, HP:0100723.
Hereditary cancer-predisposing syndrome. Also called: Neoplastic Syndromes, Hereditary; Tumor predisposition; Hereditary Cancer Syndrome; Hereditary neoplastic syndrome. Identifiers: Orphanet 140162, MedGen C0027672, MeSH D009386, MONDO:0015356.

Allele frequency attached by ClinVar (database versions not stated): gnomAD exomes below 0.00001; TOPMed below 0.00001.
gnomAD v4.1: 1 of 1,602,470 alleles (0.000062%); highest among the groups gnomAD compares: South Asian, 0.0011%; no homozygotes.

Submissions (2):

Labcorp Genetics (formerly Invitae), Labcorp
Classification: Uncertain significance for Pheochromocytoma/paraganglioma syndrome 3; Gastrointestinal stromal tumor. Last evaluated: 2025-09-08. Review status: criteria provided, single submitter. Criteria: Invitae Variant Classification Sherloc (09022015). Collection method: clinical testing. Allele origin: germline.
Comment: This sequence change replaces threonine, which is neutral and polar, with alanine, which is neutral and non-polar, at codon 57 of the SDHC protein (p.Thr57Ala). This variant is not present in population databases (gnomAD no frequency). This variant has not been reported in the literature in individuals affected with SDHC-related conditions. ClinVar contains an entry for this variant (Variation ID: 1778299). An algorithm developed to predict the effect of missense changes on protein structure and function (PolyPhen-2) suggests that this variant is likely to be tolerated. In summary, the available evidence is currently insufficient to determine the role of this variant in disease. Therefore, it has been classified as a Variant of Uncertain Significance.

Ambry Genetics
Classification: Uncertain significance for Hereditary cancer-predisposing syndrome. Last evaluated: 2022-08-22. Review status: criteria provided, single submitter. Criteria: Ambry Variant Classification Scheme 2023. Collection method: clinical testing. Allele origin: germline.
Comment: The p.T57A variant (also known as c.169A>G), located in coding exon 3 of the SDHC gene, results from an A to G substitution at nucleotide position 169. The threonine at codon 57 is replaced by alanine, an amino acid with similar properties. This amino acid position is well conserved in available vertebrate species. In addition, the in silico prediction for this alteration is inconclusive. Since supporting evidence is limited at this time, the clinical significance of this alteration remains unclear.

NM_003001.5(SDHC):c.169A>G (p.Thr57Ala)

Gene: SDHC (succinate dehydrogenase complex subunit C; plus strand). Cytogenetic location: 1q23.3.
Variant type: single nucleotide variant.
Coding change: c.169A>G on transcript NM_003001.5 (MANE Select); coding-DNA position 169, A replaced by G.
Protein change: p.Thr57Ala; replaces threonine 57 with alanine.
Molecular consequence: missense variant. On other transcripts: non-coding transcript variant (1), intron variant (4).
Genome position (GRCh38, 1-based): chr1:161,328,487, A>G. VCF-style: chr1-161328487-A-G. GRCh37 (hg19) VCF-style: chr1-161298277-A-G.
Other names: c.169A>G, p.Thr57Ala (NM_001035511.3, NM_001407115.1); c.112A>G, p.Thr38Ala (NM_001407116.1, NM_001407117.1, NM_001407121.1); c.58A>G, p.Thr20Ala (NM_001407119.1, NM_001407120.1); c.77+4817A>G (NM_001035512.3, NM_001278172.3, NM_001407118.1); c.21-12107A>G (NM_001035513.3); short protein forms T57A, T38A, T20A.
Identifiers: ClinVar variation 1778299 (VCV001778299.7), dbSNP rs1671156435, ClinGen allele CA343361330.